The following is an entry in ClinVar:

ClinVar aggregate classification (germline): Benign/Likely benign. Review status: criteria provided, multiple submitters, no conflicts (2 of 4 stars). 4 submissions from 4 submitters: Benign (1); Likely benign (2). 1 of the submissions does not count toward it. Last evaluated 2025-12-03.

Conditions:
Inborn genetic diseases. Identifiers: MedGen C0950123, MeSH D030342.
TCF20-related disorder. Also called: TCF20-related condition.

Allele frequency attached by ClinVar (database versions not stated): 1000 Genomes Project 30x 0.00047; 1000 Genomes Project 0.00060.
gnomAD v4.1: 624 of 1,611,374 alleles (0.039%); highest among the groups gnomAD compares: African/African-American, 0.085%; 2 homozygotes.

Submissions (4):

Labcorp Genetics (formerly Invitae), Labcorp
Classification: Benign. Last evaluated: 2025-12-03. Review status: criteria provided, single submitter. Criteria: Invitae Variant Classification Sherloc (09022015). Collection method: clinical testing. Allele origin: germline.

Ambry Genetics
Classification: Likely benign for Inborn genetic diseases. Last evaluated: 2025-08-04. Review status: criteria provided, single submitter. Criteria: Ambry Variant Classification Scheme 2023. Collection method: clinical testing. Allele origin: germline.

CeGaT Center for Human Genetics Tuebingen
Classification: Likely benign. Last evaluated: 2025-02-01. Review status: criteria provided, single submitter. Criteria: CeGaT Center For Human Genetics Tuebingen Variant Classification Criteria Version 2. Collection method: clinical testing. Allele origin: germline. Affected: yes. Observed: 1 variant allele.
Comment: TCF20: BP4, BS1

PreventionGenetics, part of Exact Sciences
Classification: Likely benign for TCF20-related condition. Last evaluated: 2022-07-19. Review status: no assertion criteria provided. Collection method: clinical testing. Allele origin: germline. Not counted in ClinVar's aggregate classification.
Comment: This variant is classified as likely benign based on ACMG/AMP sequence variant interpretation guidelines (Richards et al. 2015 PMID: 25741868, with internal and published modifications).

NM_001378418.1(TCF20):c.5824C>G (p.Pro1942Ala)

Gene: TCF20 (transcription factor 20; minus strand). Cytogenetic location: 22q13.2.
Variant type: single nucleotide variant.
Coding change: c.5824C>G on transcript NM_001378418.1 (MANE Select); coding-DNA position 5824, C replaced by G.
Protein change: p.Pro1942Ala; replaces proline 1942 with alanine.
Molecular consequence: missense variant. On other transcripts: intron variant (1).
Genome position (GRCh38, 1-based): chr22:42,168,712, G>C on the plus strand (C>G on the coding strand, the complement: TCF20 is on the minus strand). VCF-style: chr22-42168712-G-C. GRCh37 (hg19) VCF-style: chr22-42564718-G-C.
Other names: c.5824C>G (NM_005650.1, NM_005650.3); c.5824C>G, p.Pro1942Ala (NM_005650.4); c.5799+1135C>G (NM_181492.3); short protein forms P1942A.
Identifiers: ClinVar variation 2072362 (VCV002072362.20), dbSNP rs115095004, ClinGen allele CA10266330.